The following is an entry in ClinVar:

ClinVar aggregate classification (germline): Uncertain significance (1 of 4 stars; one submission).

Conditions:
Congenital disorder of glycosylation type Ir (CDG1R). Also called: DDOST-congenital disorder of glycosylation. Identifiers: Orphanet 300536, MedGen C3281084, MONDO:0013789, OMIM 614507.

Allele frequency attached by ClinVar (database versions not stated): ExAC 0.00001; gnomAD 0.00001; TOPMed 0.00001.
gnomAD v4.1: 8 of 1,613,932 alleles (0.0005%); highest among the groups gnomAD compares: Admixed American, 0.0033%; no homozygotes.

Submission:

Labcorp Genetics (formerly Invitae), Labcorp
Classification: Uncertain significance for Congenital disorder of glycosylation type Ir. Last evaluated: 2023-07-17. Review status: criteria provided, single submitter. Criteria: Invitae Variant Classification Sherloc (09022015). Collection method: clinical testing. Allele origin: germline.
Comment: This sequence change replaces asparagine, which is neutral and polar, with serine, which is neutral and polar, at codon 110 of the DDOST protein (p.Asn110Ser). This variant is present in population databases (rs772770995, gnomAD 0.006%). In summary, the available evidence is currently insufficient to determine the role of this variant in disease. Therefore, it has been classified as a Variant of Uncertain Significance. An algorithm developed to predict the effect of missense changes on protein structure and function (PolyPhen-2) suggests that this variant is likely to be tolerated. ClinVar contains an entry for this variant (Variation ID: 1985530). This variant has not been reported in the literature in individuals affected with DDOST-related conditions.

NM_005216.5(DDOST):c.278A>G (p.Asn93Ser)

Gene: DDOST (dolichyl-diphosphooligosaccharide--protein glycosyltransferase non-catalytic subunit; minus strand). Cytogenetic location: 1p36.12.
Variant type: single nucleotide variant.
Coding change: c.278A>G on transcript NM_005216.5 (MANE Select); coding-DNA position 278, A replaced by G.
Protein change: p.Asn93Ser; replaces asparagine 93 with serine.
Molecular consequence: missense variant.
Genome position (GRCh38, 1-based): chr1:20,656,175, T>C on the plus strand (A>G on the coding strand, the complement: DDOST is on the minus strand). VCF-style: chr1-20656175-T-C. GRCh37 (hg19) VCF-style: chr1-20982668-T-C.
Other names: short protein forms N93S.
Identifiers: ClinVar variation 1985530 (VCV001985530.4), dbSNP rs772770995, ClinGen allele CA661300.